The following is an entry in ClinVar:

ClinVar aggregate classification (germline): Uncertain significance (1 of 4 stars; one submission).

Submission:

GeneDx
Classification: Uncertain significance. Last evaluated: 2023-12-09. Review status: criteria provided, single submitter. Criteria: GeneDx Variant Classification Process June 2021. Collection method: clinical testing. Allele origin: germline. Affected: yes.
Comment: Not observed at significant frequency in large population cohorts (gnomAD); Canonical splice site variant predicted to result in an in-frame loss of the adjacent exon in a gene for which loss of function is a known mechanism of disease; Has not been previously published as pathogenic or benign to our knowledge

NM_003070.5(SMARCA2):c.356-1G>C

Gene: SMARCA2 (SWI/SNF related BAF chromatin remodeling complex subunit ATPase 2; plus strand). Cytogenetic location: 9p24.3.
Variant type: single nucleotide variant.
Coding change: c.356-1G>C on transcript NM_003070.5 (MANE Select); the canonical splice acceptor site of the intron before coding-DNA position 356, G replaced by C.
Molecular consequence: splice acceptor variant.
Genome position (GRCh38, 1-based): chr9:2,039,465, G>C. VCF-style: chr9-2039465-G-C. GRCh37 (hg19) VCF-style: chr9-2039465-G-C.
Other names: c.356-1G>C (NM_139045.4, NM_001289397.2, NM_001289396.2).
Identifiers: ClinVar variation 3365095 (VCV003365095.1).